The following is an entry in ClinVar:

NM_001165963.4(SCN1A):c.2855G>A (p.Trp952Ter)

Gene: SCN1A (sodium voltage-gated channel alpha subunit 1; minus strand). Cytogenetic location: 2q24.3.
Variant type: single nucleotide variant.
Coding change: c.2855G>A on transcript NM_001165963.4 (MANE Select); coding-DNA position 2855, G replaced by A.
Protein change: p.Trp952Ter; replaces tryptophan 952 with a stop codon.
Molecular consequence: nonsense. On other transcripts: non-coding transcript variant (1).
Genome position (GRCh38, 1-based): chr2:166,037,867, C>T on the plus strand (G>A on the coding strand, the complement: SCN1A is on the minus strand). VCF-style: chr2-166037867-C-T. GRCh37 (hg19) VCF-style: chr2-166894377-C-T.
Other names: c.2771G>A, p.Trp924Ter (NM_001165964.3, NM_001353957.2, NM_001353958.2); c.2855G>A, p.Trp952Ter (NM_001202435.3, NM_001353948.2); c.2822G>A, p.Trp941Ter (NM_001353949.2, NM_001353950.2, NM_001353951.2 and 2 more transcripts); c.2819G>A, p.Trp940Ter (NM_001353954.2, NM_001353955.2); c.2768G>A, p.Trp923Ter (NM_001353960.2); c.413G>A, p.Trp138Ter (NM_001353961.2); short protein forms W138*, W923*, W924*, W940*, W941*, W952*.
Identifiers: ClinVar variation 1070649 (VCV001070649.10), dbSNP rs2105806338, ClinGen allele CA349061149.
Genomic context (GRCh38, chr2:166,037,867, plus strand): 5'-AAGACAGTAAGGCACATGGCTTGACCAGCAACCTCCATACAGTCCCACATGGTCTCTATC[C>T]ACTCCCCACACAGCACGCGGAACACAATCAGGAAGGAGTGGAAGAAGTCATTCATGTGCC-3'

ClinVar aggregate classification (germline): Pathogenic (1 of 4 stars; one submission).

Conditions:
Early-infantile DEE. Also called: Ohtahara syndrome; Early infantile epileptic encephalopathy with suppression bursts; Early infantile epileptic encephalopathy. Identifiers: Orphanet 1934, MedGen C0393706, MONDO:0800491.

Submission:

Labcorp Genetics (formerly Invitae), Labcorp
Classification: Pathogenic for Early-infantile DEE. Last evaluated: 2020-02-06. Review status: criteria provided, single submitter. Criteria: Invitae Variant Classification Sherloc (09022015). Collection method: clinical testing. Allele origin: germline.
Comment: For these reasons, this variant has been classified as Pathogenic. Loss-of-function variants in SCN1A are known to be pathogenic (PMID: 17347258, 18930999). Algorithms developed to predict the effect of sequence changes on RNA splicing suggest that this variant may create or strengthen a splice site, but this prediction has not been confirmed by published transcriptional studies. This variant has been observed in individual(s) with severe myoclonic epilepsy of infancy and intractable epilepsy (PMID: 12566275, 23195492). This variant is not present in population databases (ExAC no frequency). This sequence change creates a premature translational stop signal (p.Trp952*) in the SCN1A gene. It is expected to result in an absent or disrupted protein product.

Literature cited by the submitters: PubMed 17347258; PubMed 18930999; PubMed 12566275; PubMed 23195492.